The following is an entry in ClinVar:

ClinVar aggregate classification (germline): Pathogenic (1 of 4 stars; one submission).

Conditions:
GRN-related frontotemporal lobar degeneration with Tdp43 inclusions (FTD2). Also called: DEMENTIA, HEREDITARY DYSPHASIC DISINHIBITION; FRONTOTEMPORAL LOBAR DEGENERATION WITH UBIQUITIN-POSITIVE INCLUSIONS; FTLD-TDP, GRN-RELATED; GRN Frontotemporal Dementia; FRONTOTEMPORAL DEMENTIA WITH TDP43 INCLUSIONS, GRN-RELATED. Identifiers: Orphanet 100070, Orphanet 282, MedGen C1843792, MONDO:0011842, OMIM 607485. Disease mechanism: loss of function.
Neuronal ceroid lipofuscinosis 11. Also called: GRN-Related Neuronal Ceroid-Lipofuscinosis. Identifiers: Orphanet 314629, Orphanet 79262, MedGen C3539123, MONDO:0013866, OMIM 614706.

Submission:

Labcorp Genetics (formerly Invitae), Labcorp
Classification: Pathogenic for Neuronal ceroid lipofuscinosis 11; GRN-related frontotemporal lobar degeneration with Tdp43 inclusions. Last evaluated: 2022-09-03. Review status: criteria provided, single submitter. Criteria: Invitae Variant Classification Sherloc (09022015). Collection method: clinical testing. Allele origin: germline.
Comment: For these reasons, this variant has been classified as Pathogenic. This variant has not been reported in the literature in individuals affected with GRN-related conditions. This variant is not present in population databases (gnomAD no frequency). This sequence change creates a premature translational stop signal (p.Cys41*) in the GRN gene. It is expected to result in an absent or disrupted protein product. Loss-of-function variants in GRN are known to be pathogenic (PMID: 16862116, 16950801, 22608501).

Literature cited by the submitters: PubMed 16862116; PubMed 16950801; PubMed 22608501.

NM_002087.4(GRN):c.118_121dup (p.Cys41Ter)

Gene: GRN (granulin precursor; plus strand). Cytogenetic location: 17q21.31.
Variant type: Duplication.
Coding change: c.118_121dup on transcript NM_002087.4 (MANE Select); coding-DNA positions 118 to 121, 4 bases duplicated (AGCT; older notation c.118_121dupAGCT).
Protein change: p.Cys41Ter; replaces cysteine 41 with a stop codon.
Molecular consequence: nonsense.
Genome position (GRCh38, 1-based): chr17:44,349,282-44,349,285, AGCT duplicated. VCF-style (leftmost placement, unchanged base first): chr17-44349281-C-CAGCT. GRCh37 (hg19) VCF-style: chr17-42426649-C-CAGCT.
Other names: short protein forms C41*.
Identifiers: ClinVar variation 2028731 (VCV002028731.4), dbSNP rs2510054302, ClinGen allele CA2580093866.